The following is an entry in ClinVar:

ClinVar aggregate classification (germline): Uncertain significance (1 of 4 stars; one submission).

Conditions:
Bloom syndrome (BLM). Also called: Bloom-Torre-Machacek syndrome. Identifiers: Orphanet 125, MedGen C0005859, MONDO:0008876, OMIM 210900.

Allele frequency attached by ClinVar (database versions not stated): gnomAD exomes below 0.00001.
gnomAD v4.1: 1 of 1,613,200 alleles (0.000062%); highest among the groups gnomAD compares: African/African-American, 0.0013%; no homozygotes.

Submission:

Labcorp Genetics (formerly Invitae), Labcorp
Classification: Uncertain significance for Bloom syndrome. Last evaluated: 2024-04-29. Review status: criteria provided, single submitter. Criteria: Invitae Variant Classification Sherloc (09022015). Collection method: clinical testing. Allele origin: germline.
Comment: This sequence change replaces isoleucine, which is neutral and non-polar, with serine, which is neutral and polar, at codon 379 of the BLM protein (p.Ile379Ser). This variant is not present in population databases (gnomAD no frequency). This variant has not been reported in the literature in individuals affected with BLM-related conditions. ClinVar contains an entry for this variant (Variation ID: 1467703). Advanced modeling of protein sequence and biophysical properties (such as structural, functional, and spatial information, amino acid conservation, physicochemical variation, residue mobility, and thermodynamic stability) performed at Invitae indicates that this missense variant is not expected to disrupt BLM protein function with a negative predictive value of 80%. In summary, the available evidence is currently insufficient to determine the role of this variant in disease. Therefore, it has been classified as a Variant of Uncertain Significance.

NM_000057.4(BLM):c.1136T>G (p.Ile379Ser)

Gene: BLM (BLM RecQ like helicase; plus strand). Cytogenetic location: 15q26.1.
Variant type: single nucleotide variant.
Coding change: c.1136T>G on transcript NM_000057.4 (MANE Select); coding-DNA position 1136, T replaced by G.
Protein change: p.Ile379Ser; replaces isoleucine 379 with serine.
Molecular consequence: missense variant.
Genome position (GRCh38, 1-based): chr15:90,760,195, T>G. VCF-style: chr15-90760195-T-G. GRCh37 (hg19) VCF-style: chr15-91303425-T-G.
Other names: c.1136T>G, p.Ile379Ser (NM_001287246.2, NM_001287247.2); c.11T>G, p.Ile4Ser (NM_001287248.2); short protein forms I4S, I379S.
Identifiers: ClinVar variation 1467703 (VCV001467703.7), dbSNP rs1408233877, ClinGen allele CA393842391.